The following is an entry in ClinVar:

ClinVar aggregate classification (germline): Uncertain significance (1 of 4 stars; one submission).

Conditions:
Cardiovascular phenotype. Identifiers: MedGen CN230736.

Submission:

Ambry Genetics
Classification: Uncertain significance for Cardiovascular phenotype. Last evaluated: 2022-08-23. Review status: criteria provided, single submitter. Criteria: Ambry Variant Classification Scheme 2023. Collection method: clinical testing. Allele origin: germline.
Comment: The c.700delG variant, located in coding exon 7 of the NEXN gene, results from a deletion of one nucleotide at nucleotide position 700, causing a translational frameshift with a predicted alternate stop codon (p.E234Kfs*14). This alteration is expected to result in loss of function by premature protein truncation or nonsense-mediated mRNA decay. Although biallelic loss of function alterations in NEXN have been associated with autosomal recessive NEXN-related cardiomyopathy, haploinsufficiency for NEXN has not been clearly established as a mechanism of disease for autosomal dominant NEXN-related cardiomyopathy. Since supporting evidence is limited at this time, the clinical significance of this alteration remains unclear.

NM_144573.4(NEXN):c.700del (p.Glu234fs)

Gene: NEXN (nexilin F-actin binding protein; plus strand). Cytogenetic location: 1p31.1.
Variant type: Deletion.
Coding change: c.700del on transcript NM_144573.4 (MANE Select); coding-DNA position 700, one base deleted (G; older notation c.700delG).
Protein change: p.Glu234fs; shifts the reading frame from glutamic acid 234.
Molecular consequence: frameshift variant.
Genome position (GRCh38, 1-based): chr1:77,926,728, G deleted. VCF-style (leftmost placement, unchanged base first): chr1-77926727-AG-A. GRCh37 (hg19) VCF-style: chr1-78392412-AG-A.
Other names: c.508del, p.Glu170fs (NM_001172309.2); short protein forms E170fs, E234fs.
Identifiers: ClinVar variation 1756674 (VCV001756674.2), dbSNP rs2523207727, ClinGen allele CA2580063264.